The following is an entry in ClinVar:

NM_020207.7(ERCC6L2):c.1703A>G (p.Lys568Arg)

Gene: ERCC6L2 (ERCC excision repair 6 like 2; plus strand). Cytogenetic location: 9q22.32.
Variant type: single nucleotide variant.
Coding change: c.1703A>G on transcript NM_020207.7 (MANE Select); coding-DNA position 1703, A replaced by G.
Protein change: p.Lys568Arg; replaces lysine 568 with arginine.
Molecular consequence: missense variant. On other transcripts: non-coding transcript variant (1).
Genome position (GRCh38, 1-based): chr9:95,928,816, A>G. VCF-style: chr9-95928816-A-G. GRCh37 (hg19) VCF-style: chr9-98691098-A-G.
Other names: c.1703A>G, p.Lys568Arg (NM_001010895.4, NM_001375291.1, NM_001375292.1 and 2 more transcripts); short protein forms K568R.
Identifiers: ClinVar variation 3622619 (VCV003622619.3).

ClinVar aggregate classification (germline): Uncertain significance. Review status: criteria provided, multiple submitters, no conflicts (2 of 4 stars). 2 submissions from 2 submitters: Uncertain significance (2). Last evaluated 2026-01-08.

Conditions:
Inborn genetic diseases. Identifiers: MedGen C0950123, MeSH D030342.

gnomAD v4.1: 3 of 1,612,818 alleles (0.00019%); highest among the groups gnomAD compares: East Asian, 0.0022%; no homozygotes.

Submissions (2):

Labcorp Genetics (formerly Invitae), Labcorp
Classification: Uncertain significance. Last evaluated: 2026-01-08. Review status: criteria provided, single submitter. Criteria: Invitae Variant Classification Sherloc (09022015). Collection method: clinical testing. Allele origin: germline.
Comment: This sequence change replaces lysine, which is basic and polar, with arginine, which is basic and polar, at codon 579 of the ERCC6L2 protein (p.Lys579Arg). This variant is not present in population databases (gnomAD no frequency). This variant has not been reported in the literature in individuals affected with ERCC6L2-related conditions. ClinVar contains an entry for this variant (Variation ID: 3622619). Experimental studies and prediction algorithms are not available or were not evaluated, and the functional significance of this variant is currently unknown. In summary, the available evidence is currently insufficient to determine the role of this variant in disease. Therefore, it has been classified as a Variant of Uncertain Significance.

Ambry Genetics
Classification: Uncertain significance for Inborn genetic diseases. Last evaluated: 2025-03-06. Review status: criteria provided, single submitter. Criteria: Ambry Variant Classification Scheme 2023. Collection method: clinical testing. Allele origin: germline.
Comment: The p.K568R variant (also known as c.1703A>G), located in coding exon 11 of the ERCC6L2 gene, results from an A to G substitution at nucleotide position 1703. The lysine at codon 568 is replaced by arginine, an amino acid with highly similar properties. This amino acid position is conserved. In addition, this alteration is predicted to be tolerated by in silico analysis. Based on the available evidence, the clinical significance of this variant remains unclear.